The following is an entry in ClinVar:

ClinVar aggregate classification (germline): Uncertain significance. Review status: criteria provided, multiple submitters, no conflicts (2 of 4 stars). 2 submissions from 2 submitters: Uncertain significance (2). Last evaluated 2024-12-06.

Conditions:
Inborn genetic diseases. Identifiers: MedGen C0950123, MeSH D030342.
Fanconi anemia (FA). Also called: Fanconi's anemia. Identifiers: Orphanet 84, MedGen C0015625, MeSH D005199, MONDO:0019391.

Allele frequency attached by ClinVar (database versions not stated): TOPMed below 0.00001.
gnomAD v4.1: 11 of 1,614,072 alleles (0.00068%); highest among the groups gnomAD compares: Non-Finnish European, 0.00093%; no homozygotes.

Submissions (2):

Ambry Genetics
Classification: Uncertain significance for Inborn genetic diseases. Last evaluated: 2024-12-06. Review status: criteria provided, single submitter. Criteria: Ambry Variant Classification Scheme 2023. Collection method: clinical testing. Allele origin: germline.
Comment: The p.L217F variant (also known as c.649C>T), located in coding exon 7 of the FANCA gene, results from a C to T substitution at nucleotide position 649. The leucine at codon 217 is replaced by phenylalanine, an amino acid with highly similar properties. This amino acid position is conserved. In addition, this alteration is predicted to be tolerated by in silico analysis. Based on the available evidence, the clinical significance of this variant remains unclear.

Labcorp Genetics (formerly Invitae), Labcorp
Classification: Uncertain significance for Fanconi anemia. Last evaluated: 2022-03-13. Review status: criteria provided, single submitter. Criteria: Invitae Variant Classification Sherloc (09022015). Collection method: clinical testing. Allele origin: germline.
Comment: This sequence change replaces leucine, which is neutral and non-polar, with phenylalanine, which is neutral and non-polar, at codon 217 of the FANCA protein (p.Leu217Phe). This variant is not present in population databases (gnomAD no frequency). This variant has not been reported in the literature in individuals affected with FANCA-related conditions. Algorithms developed to predict the effect of missense changes on protein structure and function are either unavailable or do not agree on the potential impact of this missense change (SIFT: "Deleterious"; PolyPhen-2: "Possibly Damaging"; Align-GVGD: "Class C0"). In summary, the available evidence is currently insufficient to determine the role of this variant in disease. Therefore, it has been classified as a Variant of Uncertain Significance.

NM_000135.4(FANCA):c.649C>T (p.Leu217Phe)

Gene: FANCA (FA complementation group A; minus strand). Cytogenetic location: 16q24.3.
Variant type: single nucleotide variant.
Coding change: c.649C>T on transcript NM_000135.4 (MANE Select); coding-DNA position 649, C replaced by T.
Protein change: p.Leu217Phe; replaces leucine 217 with phenylalanine.
Molecular consequence: missense variant.
Genome position (GRCh38, 1-based): chr16:89,805,340, G>A on the plus strand (C>T on the coding strand, the complement: FANCA is on the minus strand). VCF-style: chr16-89805340-G-A. GRCh37 (hg19) VCF-style: chr16-89871748-G-A.
Other names: c.649C>T, p.Leu217Phe (NM_001018112.3, NM_001286167.3); c.553C>T, p.Leu185Phe (NM_001351830.2); short protein forms L185F, L217F.
Identifiers: ClinVar variation 2086200 (VCV002086200.2), dbSNP rs1005152584, ClinGen allele CA397478003.
Genomic context (GRCh38, chr16:89,805,340, plus strand): 5'-CAGAAAGCATGGCCCTGGCGACGTCAGCATGCTGGCAGGATGCTTCCATCTGTTCACAAA[G>A]GCAGCACAGATTCCTGAAGAGCCACGATCCCACAGCATGCATGTCGGGATGGCTGGAGAC-3'
Protein context (NP_000126.2, residues 207-227): GSWLFRNLCC[Leu217Phe]CEQMEASCQH